The following is an entry in ClinVar:

NM_001357.5(DHX9):c.2101C>T (p.Pro701Ser)

Gene: DHX9 (DExH-box helicase 9; plus strand). Cytogenetic location: 1q25.3.
Variant type: single nucleotide variant.
Coding change: c.2101C>T on transcript NM_001357.5 (MANE Select); coding-DNA position 2101, C replaced by T.
Protein change: p.Pro701Ser; replaces proline 701 with serine.
Molecular consequence: missense variant. On other transcripts: non-coding transcript variant (1).
Genome position (GRCh38, 1-based): chr1:182,876,518, C>T. VCF-style: chr1-182876518-C-T. GRCh37 (hg19) VCF-style: chr1-182845653-C-T.
Other names: short protein forms P701S.
Identifiers: ClinVar variation 5037573 (VCV005037573.1).

ClinVar aggregate classification (germline): Uncertain significance (1 of 4 stars; one submission).

Submission:

GeneDx
Classification: Uncertain significance. Last evaluated: 2026-04-22. Review status: criteria provided, single submitter. Criteria: GeneDx Variant Classification Process June 2021. Collection method: clinical testing. Allele origin: germline.
Comment: Not observed at significant frequency in large population cohorts (gnomAD); In silico analysis supports that this missense variant has a deleterious effect on protein structure/function; Has not been previously published as pathogenic or benign to our knowledge